The following is an entry in ClinVar:

NM_000545.8(HNF1A):c.1134_1137del (p.Pro379fs)

Gene: HNF1A (HNF1 homeobox A; plus strand). Cytogenetic location: 12q24.31.
Variant type: Deletion.
Coding change: c.1134_1137del on transcript NM_000545.8 (MANE Select); coding-DNA positions 1134 to 1137, 4 bases deleted (CCCT; older notation c.1134_1137delCCCT).
Protein change: p.Pro379fs; shifts the reading frame from proline 379.
Molecular consequence: frameshift variant.
Genome position (GRCh38, 1-based): chr12:120,996,567-120,996,570, CCCT deleted. VCF-style (leftmost placement, unchanged base first): chr12-120996566-CCCCT-C. GRCh37 (hg19) VCF-style: chr12-121434369-CCCCT-C.
Other names: c.1134_1137del, p.Pro379fs (NM_001306179.2, NM_001406915.1); short protein forms P379fs.
Identifiers: ClinVar variation 3660813 (VCV003660813.2).

ClinVar aggregate classification (germline): Pathogenic (1 of 4 stars; one submission).

Submission:

Labcorp Genetics (formerly Invitae), Labcorp
Classification: Pathogenic. Last evaluated: 2024-07-30. Review status: criteria provided, single submitter. Criteria: Invitae Variant Classification Sherloc (09022015). Collection method: clinical testing. Allele origin: germline.
Comment: This sequence change creates a premature translational stop signal (p.Pro379Serfs*4) in the HNF1A gene. It is expected to result in an absent or disrupted protein product. Loss-of-function variants in HNF1A are known to be pathogenic (PMID: 15928245, 18003757). This variant is not present in population databases (gnomAD no frequency). This variant has not been reported in the literature in individuals affected with HNF1A-related conditions. For these reasons, this variant has been classified as Pathogenic.

Literature cited by the submitters: PubMed 15928245; PubMed 18003757.